The following is an entry in ClinVar:

NM_018639.5(WSB2):c.14-5C>G

Genes: WSB2 (WD repeat and SOCS box containing 2; minus strand), LOC126861652 (MED14-independent group 3 enhancer GRCh37_chr12:118489679-118490878; plus strand). Cytogenetic location: 12q24.23.
Variant type: single nucleotide variant.
Coding change: c.14-5C>G on transcript NM_018639.5 (MANE Select); 5 bases into the intron before coding-DNA position 14, C replaced by G.
Molecular consequence: intron variant.
Genome position (GRCh38, 1-based): chr12:118,052,483, G>C on the plus strand (C>G on the coding strand, the complement: WSB2 is on the minus strand). VCF-style: chr12-118052483-G-C. GRCh37 (hg19) VCF-style: chr12-118490288-G-C.
Other names: c.65-5C>G (NM_001278557.1); c.-240-5C>G (NM_001278558.2).
Identifiers: ClinVar variation 4855849 (VCV004855849.1).

ClinVar aggregate classification (germline): Uncertain significance (1 of 4 stars; one submission).

Conditions:
WSB2-related disorder.

Submission:

3billion
Classification: Uncertain significance for WSB2-related disorder. Last evaluated: 2025-12-26. Review status: criteria provided, single submitter. Criteria: ACMG Guidelines, 2015. Collection method: clinical testing. Allele origin: germline. Affected: yes.
Comment: The variant is not observed in the gnomAD v4.1.0 dataset. Predicted Consequence/Location: Intron variant In silico tools predict the variant to alter splicing and produce an abnormal transcript [SpliceAI: 0.26 (>=0.2, moderate evidence for spliceogenicity)]. Therefore, this variant is classified as VUS according to the recommendation of ACMG/AMP guideline.